The following is an entry in ClinVar:

ClinVar aggregate classification (germline): Uncertain significance (1 of 4 stars; one submission).

Conditions:
Arginine:glycine amidinotransferase deficiency (CCDS3). Also called: Cerebral creatine deficiency syndrome 3; AGAT deficiency; L-Arginine:Glycine Amidinotransferase Deficiency; Creatine deficiency syndrome due to AGAT deficiency; GATM deficiency; L-Arginine:Glycine Amidinotransferase (AGAT) Deficiency. Identifiers: Orphanet 35704, MedGen C2675179, MONDO:0012996, OMIM 612718.

Submission:

Labcorp Genetics (formerly Invitae), Labcorp
Classification: Uncertain significance for Arginine:glycine amidinotransferase deficiency. Last evaluated: 2024-01-04. Review status: criteria provided, single submitter. Criteria: Invitae Variant Classification Sherloc (09022015). Collection method: clinical testing. Allele origin: germline.
Comment: This sequence change replaces cysteine, which is neutral and slightly polar, with tryptophan, which is neutral and slightly polar, at codon 64 of the GATM protein (p.Cys64Trp). This variant is not present in population databases (gnomAD no frequency). This variant has not been reported in the literature in individuals affected with GATM-related conditions. Advanced modeling of protein sequence and biophysical properties (such as structural, functional, and spatial information, amino acid conservation, physicochemical variation, residue mobility, and thermodynamic stability) performed at Invitae indicates that this missense variant is expected to disrupt GATM protein function with a positive predictive value of 80%. In summary, the available evidence is currently insufficient to determine the role of this variant in disease. Therefore, it has been classified as a Variant of Uncertain Significance.

NM_001482.3(GATM):c.192C>G (p.Cys64Trp)

Gene: GATM (glycine amidinotransferase; minus strand). Cytogenetic location: 15q21.1.
Variant type: single nucleotide variant.
Coding change: c.192C>G on transcript NM_001482.3 (MANE Select); coding-DNA position 192, C replaced by G.
Protein change: p.Cys64Trp; replaces cysteine 64 with tryptophan.
Molecular consequence: missense variant. On other transcripts: 5 prime UTR variant (1).
Genome position (GRCh38, 1-based): chr15:45,376,697, G>C on the plus strand (C>G on the coding strand, the complement: GATM is on the minus strand). VCF-style: chr15-45376697-G-C. GRCh37 (hg19) VCF-style: chr15-45668895-G-C.
Other names: c.-196C>G (NM_001321015.2); short protein forms C64W.
Identifiers: ClinVar variation 2705417 (VCV002705417.3), dbSNP rs2542005571, ClinGen allele CA392265348.
Genomic context (GRCh38, chr15:45,376,697, plus strand): 5'-TTCTGCTCTGCCCACTATCACTTCCTCTAAGGGGTCCCATTCGTTGTAAGAAGAGACAGG[G>C]CAGTCCTTGGGCAGAGGCTCAGTGGCTTTGTCGTCAGCTGCACAGGAGTTCCGGGAGGAA-3'
Protein context (NP_001473.1, residues 54-74): DKATEPLPKD[Cys64Trp]PVSSYNEWDP